The following is an entry in ClinVar:

ClinVar aggregate classification (germline): Pathogenic/Likely pathogenic. Review status: criteria provided, multiple submitters, no conflicts (2 of 4 stars). 3 submissions from 3 submitters: Pathogenic (2); Likely pathogenic (1). Last evaluated 2022-08-02.

Conditions:
SLC22A5-related disorder. Also called: SLC22A5-related condition.
Renal carnitine transport defect (CDSP). Also called: Systemic primary carnitine deficiency; Carnitine transporter deficiency; Carnitine Deficiency, Systemic; Primary carnitine deficiency; Systemic primary carnitine deficiency disease; CARNITINE DEFICIENCY, SYSTEMIC, DUE TO DEFECT IN RENAL REABSORPTION OF CARNITINE. Identifiers: Orphanet 158, MedGen C0342788, MONDO:0008919, OMIM 212140.

Submissions (3):

Labcorp Genetics (formerly Invitae), Labcorp
Classification: Pathogenic for Renal carnitine transport defect. Last evaluated: 2022-08-02. Review status: criteria provided, single submitter. Criteria: Invitae Variant Classification Sherloc (09022015). Collection method: clinical testing. Allele origin: germline.
Comment: ClinVar contains an entry for this variant (Variation ID: 522874). For these reasons, this variant has been classified as Pathogenic. This variant has not been reported in the literature in individuals affected with SLC22A5-related conditions. This variant is not present in population databases (gnomAD no frequency). This sequence change creates a premature translational stop signal (p.Gln121*) in the SLC22A5 gene. It is expected to result in an absent or disrupted protein product. Loss-of-function variants in SLC22A5 are known to be pathogenic (PMID: 9916797).

Blueprint Genetics
Classification: Likely pathogenic for SLC22A5-related disorders. Last evaluated: 2020-09-11. Review status: criteria provided, single submitter. Criteria: ACMG Guidelines, 2015. Collection method: clinical testing. Allele origin: germline. Affected: yes. Observed: 2 variant alleles.

Genomic Research Center, Shahid Beheshti University of Medical Sciences
Classification: Pathogenic for Renal carnitine transport defect. Last evaluated: 2017-12-18. Review status: criteria provided, single submitter. Criteria: ACMG Guidelines, 2015. Collection method: clinical testing. Allele origin: inherited. Affected: yes.

Literature cited by the submitters: PubMed 9916797 (cited by Labcorp Genetics (formerly Invitae), Labcorp).

NM_003060.4(SLC22A5):c.361C>T (p.Gln121Ter)

Gene: SLC22A5 (solute carrier family 22 member 5; plus strand). Cytogenetic location: 5q31.1.
Variant type: single nucleotide variant.
Coding change: c.361C>T on transcript NM_003060.4 (MANE Select); coding-DNA position 361, C replaced by T.
Protein change: p.Gln121Ter; replaces glutamine 121 with a stop codon.
Molecular consequence: nonsense.
Genome position (GRCh38, 1-based): chr5:132,370,333, C>T. VCF-style: chr5-132370333-C-T. GRCh37 (hg19) VCF-style: chr5-131706025-C-T.
Other names: c.361C>T, p.Gln121Ter (NM_001308122.2); short protein forms Q121*.
Identifiers: ClinVar variation 522874 (VCV000522874.10), dbSNP rs1554086010, ClinGen allele CA360802901.